The following is an entry in ClinVar:

NM_004423.4(DVL3):c.592A>G (p.Thr198Ala)

Gene: DVL3 (dishevelled segment polarity protein 3; plus strand). Cytogenetic location: 3q27.1.
Variant type: single nucleotide variant.
Coding change: c.592A>G on transcript NM_004423.4 (MANE Select); coding-DNA position 592, A replaced by G.
Protein change: p.Thr198Ala; replaces threonine 198 with alanine.
Molecular consequence: missense variant.
Genome position (GRCh38, 1-based): chr3:184,164,924, A>G. VCF-style: chr3-184164924-A-G. GRCh37 (hg19) VCF-style: chr3-183882712-A-G.
Other names: c.592A>G (NM_004423.3); short protein forms T198A.
Identifiers: ClinVar variation 1414281 (VCV001414281.8), dbSNP rs769468812, ClinGen allele CA2727139.

ClinVar aggregate classification (germline): Conflicting classifications of pathogenicity. Review status: criteria provided, conflicting classifications (1 of 4 stars). 3 submissions from 3 submitters: Uncertain significance (1); Benign (1); Likely benign (1). Last evaluated 2026-08-01.

Conditions:
Inborn genetic diseases. Identifiers: MedGen C0950123, MeSH D030342.

Allele frequency attached by ClinVar (database versions not stated): gnomAD exomes 0.00002 and 0.00005; TOPMed 0.00002; ExAC 0.00005.
gnomAD v4.1: 11 of 1,614,168 alleles (0.00068%); highest among the groups gnomAD compares: Admixed American, 0.018%; no homozygotes.

Submissions (3):

CeGaT Center for Human Genetics Tuebingen
Classification: Likely benign. Last evaluated: 2026-08-01. Review status: criteria provided, single submitter. Criteria: CeGaT Center For Human Genetics Tuebingen Variant Classification Criteria Version 2. Collection method: clinical testing. Allele origin: germline. Affected: yes. Observed: 1 variant allele.
Comment: DVL3: BP4

Labcorp Genetics (formerly Invitae), Labcorp
Classification: Benign. Last evaluated: 2025-10-05. Review status: criteria provided, single submitter. Criteria: Invitae Variant Classification Sherloc (09022015). Collection method: clinical testing. Allele origin: germline.

Ambry Genetics
Classification: Uncertain significance for Inborn genetic diseases. Last evaluated: 2025-08-09. Review status: criteria provided, single submitter. Criteria: Ambry Variant Classification Scheme 2023. Collection method: clinical testing. Allele origin: germline.